The following is an entry in ClinVar:

NM_014141.6(CNTNAP2):c.778_780del (p.Tyr260del)

Gene: CNTNAP2 (contactin associated protein 2; plus strand). Cytogenetic location: 7q35.
Variant type: Deletion.
Coding change: c.778_780del on transcript NM_014141.6 (MANE Select); coding-DNA positions 778 to 780, 3 bases deleted (TAT; older notation c.778_780delTAT).
Protein change: p.Tyr260del; deletes tyrosine 260.
Molecular consequence: inframe deletion.
Genome position (GRCh38, 1-based): chr7:147,121,002-147,121,004, TAT deleted. VCF-style (leftmost placement, unchanged base first): chr7-147121001-ATAT-A. GRCh37 (hg19) VCF-style: chr7-146818093-ATAT-A.
Other names: short protein forms Y260del.
Identifiers: ClinVar variation 1358093 (VCV001358093.8), dbSNP rs2129282702, ClinGen allele CA2573141782.
Genomic context (GRCh38, chr7:147,121,001, plus strand): 5'-ATCATTGCATTGTTTCTTTTTCACTTCTGTGTACGCAGGAAGCAACCAGCTTGGCCCCAT[ATAT>A]GGCCACACATCAGTGATGACAGGAAGTTTGCTGGATGACCACCACTGGCACTCTGTGGTC-3'

ClinVar aggregate classification (germline): Uncertain significance (1 of 4 stars; one submission).

Conditions:
Cortical dysplasia-focal epilepsy syndrome (PTHSL1). Also called: Pitt-Hopkins-like syndrome 1. Identifiers: Orphanet 163681, Orphanet 221150, MedGen C2750246, MONDO:0012400, OMIM 610042.

Submission:

Labcorp Genetics (formerly Invitae), Labcorp
Classification: Uncertain significance for Cortical dysplasia-focal epilepsy syndrome. Last evaluated: 2022-02-08. Review status: criteria provided, single submitter. Criteria: Invitae Variant Classification Sherloc (09022015). Collection method: clinical testing. Allele origin: germline.
Comment: In summary, the available evidence is currently insufficient to determine the role of this variant in disease. Therefore, it has been classified as a Variant of Uncertain Significance. Algorithms developed to predict the effect of sequence changes on RNA splicing suggest that this variant may create or strengthen a splice site. Experimental studies and prediction algorithms are not available or were not evaluated, and the functional significance of this variant is currently unknown. This variant has not been reported in the literature in individuals affected with CNTNAP2-related conditions. This variant is not present in population databases (gnomAD no frequency). This variant, c.778_780del, results in the deletion of 1 amino acid(s) of the CNTNAP2 protein (p.Tyr260del), but otherwise preserves the integrity of the reading frame.